The following is an entry in ClinVar:

ClinVar aggregate classification (germline): Benign/Likely benign. Review status: criteria provided, multiple submitters, no conflicts (2 of 4 stars). 4 submissions from 4 submitters: Benign (1); Likely benign (3). Last evaluated 2025-04-14.

Conditions:
Inborn genetic diseases. Identifiers: MedGen C0950123, MeSH D030342.
Cerebral cavernous malformation 2. Also called: Familial Cerebral Cavernous Malformation 2. Identifiers: Orphanet 221061, MedGen C1864041, MONDO:0011304, OMIM 603284.

Allele frequency attached by ClinVar (database versions not stated): gnomAD 0.00032 and 0.00040; gnomAD exomes 0.00033 and 0.00058; TOPMed 0.00041; ESP Exome Variant Server 0.00046; ExAC 0.00056.
gnomAD v4.1: 546 of 1,613,820 alleles (0.034%); highest among the groups gnomAD compares: South Asian, 0.23%; 2 homozygotes.

Submissions (4):

Labcorp Genetics (formerly Invitae), Labcorp
Classification: Benign for Cerebral cavernous malformation 2. Last evaluated: 2025-04-14. Review status: criteria provided, single submitter. Criteria: Invitae Variant Classification Sherloc (09022015). Collection method: clinical testing. Allele origin: germline.

CeGaT Center for Human Genetics Tuebingen
Classification: Likely benign. Last evaluated: 2024-10-01. Review status: criteria provided, single submitter. Criteria: CeGaT Center For Human Genetics Tuebingen Variant Classification Criteria Version 2. Collection method: clinical testing. Allele origin: germline. Affected: yes. Observed: 4 variant alleles.
Comment: CCM2: BP4, BS1

Blueprint Genetics
Classification: Likely benign. Last evaluated: 2024-09-13. Review status: criteria provided, single submitter. Criteria: ACMG Guidelines, 2015. Collection method: clinical testing. Allele origin: germline.

Ambry Genetics
Classification: Likely benign for Inborn genetic diseases. Last evaluated: 2024-01-05. Review status: criteria provided, single submitter. Criteria: Ambry Variant Classification Scheme 2023. Collection method: clinical testing. Allele origin: germline.

NM_031443.4(CCM2):c.339C>T (p.Leu113=)

Gene: CCM2 (CCM2 scaffold protein; plus strand). Cytogenetic location: 7p13.
Variant type: single nucleotide variant.
Coding change: c.339C>T on transcript NM_031443.4 (MANE Select); coding-DNA position 339, C replaced by T.
Protein change: p.Leu113=; no amino-acid change (leucine 113 retained).
Molecular consequence: synonymous variant. On other transcripts: non-coding transcript variant (1).
Genome position (GRCh38, 1-based): chr7:45,064,513, C>T. VCF-style: chr7-45064513-C-T. GRCh37 (hg19) VCF-style: chr7-45104112-C-T.
Other names: c.402C>T, p.Leu134= (NM_001029835.2); c.165C>T, p.Leu55= (NM_001167934.2, NM_001363459.2); c.339C>T, p.Leu113= (NM_001167935.2, NM_001363458.2).
Identifiers: ClinVar variation 698108 (VCV000698108.35), dbSNP rs146259619, ClinGen allele CA4246954.
Genomic context (GRCh38, chr7:45,064,513, plus strand): 5'-TTCCTTCCAGAGAGCCCACCAGCTTCCGGGACACTTGACTCAGGAGCACGATGCTGTGCT[C>T]AGCCTGTCTGCGTACAACGTCAAGCTGGCCTGGAGGGACGGGGAGGATATCATCCTCAGG-3'
Protein context (NP_113631.1, residues 103-123): GHLTQEHDAV[Leu113=]SLSAYNVKLA